The following is an entry in ClinVar:

ClinVar aggregate classification (germline): Uncertain significance (1 of 4 stars; one submission).

Conditions:
Cranium bifidum occultum. Also called: Enlarged Parietal Foramina; CATLIN MARKS; CRANIUM BIFIDUM, HEREDITARY. Identifiers: MedGen C1868598, HP:0004423.

Submission:

Labcorp Genetics (formerly Invitae), Labcorp
Classification: Uncertain significance for Cranium bifidum occultum. Last evaluated: 2024-05-04. Review status: criteria provided, single submitter. Criteria: Invitae Variant Classification Sherloc (09022015). Collection method: clinical testing. Allele origin: germline.
Comment: This sequence change replaces glutamic acid, which is acidic and polar, with glycine, which is neutral and non-polar, at codon 68 of the MSX2 protein (p.Glu68Gly). This variant is not present in population databases (gnomAD no frequency). This variant has not been reported in the literature in individuals affected with MSX2-related conditions. Advanced modeling of protein sequence and biophysical properties (such as structural, functional, and spatial information, amino acid conservation, physicochemical variation, residue mobility, and thermodynamic stability) performed at Invitae indicates that this missense variant is not expected to disrupt MSX2 protein function with a negative predictive value of 80%. In summary, the available evidence is currently insufficient to determine the role of this variant in disease. Therefore, it has been classified as a Variant of Uncertain Significance.

NM_002449.5(MSX2):c.203A>G (p.Glu68Gly)

Gene: MSX2 (msh homeobox 2; plus strand). Cytogenetic location: 5q35.2.
Variant type: single nucleotide variant.
Coding change: c.203A>G on transcript NM_002449.5 (MANE Select); coding-DNA position 203, A replaced by G.
Protein change: p.Glu68Gly; replaces glutamic acid 68 with glycine.
Molecular consequence: missense variant.
Genome position (GRCh38, 1-based): chr5:174,724,862, A>G. VCF-style: chr5-174724862-A-G. GRCh37 (hg19) VCF-style: chr5-174151865-A-G.
Other names: c.203A>G, p.Glu68Gly (NM_001363626.2); short protein forms E68G.
Identifiers: ClinVar variation 3707265 (VCV003707265.2).